The following is an entry in ClinVar:

ClinVar aggregate classification (germline): Uncertain significance. Review status: criteria provided, multiple submitters, no conflicts (2 of 4 stars). 2 submissions from 2 submitters: Uncertain significance (2). Last evaluated 2025-11-26.

Conditions:
Cardiovascular phenotype. Identifiers: MedGen CN230736.
Congenital primary aphakia. Also called: ANTERIOR SEGMENT DYSGENESIS 2; Anterior segment dysgenesis 2, multiple subtypes. Identifiers: Orphanet 83461, MedGen C1853230, MONDO:0012456, OMIM 610256.
Anterior segment dysgenesis. Also called: Ocular anterior segment dysgenesis. Identifiers: Orphanet 88632, MedGen C1862839, MONDO:0019503, HP:0007700.

Allele frequency attached by ClinVar (database versions not stated): gnomAD 0.00001; TOPMed 0.00002.

Submissions (2):

Ambry Genetics
Classification: Uncertain significance for Cardiovascular phenotype. Last evaluated: 2025-11-26. Review status: criteria provided, single submitter. Criteria: Ambry Variant Classification Scheme 2023. Collection method: clinical testing. Allele origin: germline.

Labcorp Genetics (formerly Invitae), Labcorp
Classification: Uncertain significance for Anterior segment dysgenesis; Congenital primary aphakia. Last evaluated: 2025-11-12. Review status: criteria provided, single submitter. Criteria: Invitae Variant Classification Sherloc (09022015). Collection method: clinical testing. Allele origin: germline.
Comment: This sequence change replaces proline, which is neutral and non-polar, with threonine, which is neutral and polar, at codon 28 of the FOXE3 protein (p.Pro28Thr). This variant is not present in population databases (gnomAD no frequency). This variant has not been reported in the literature in individuals affected with FOXE3-related conditions. ClinVar contains an entry for this variant (Variation ID: 2448366). An algorithm developed to predict the effect of missense changes on protein structure and function (PolyPhen-2) suggests that this variant is likely to be disruptive. In summary, the available evidence is currently insufficient to determine the role of this variant in disease. Therefore, it has been classified as a Variant of Uncertain Significance.

NM_012186.3(FOXE3):c.82C>A (p.Pro28Thr)

Genes: FOXE3 (forkhead box E3; plus strand), LINC01389 (long independently transcribed non-coding RNA 1389; minus strand). Cytogenetic location: 1p33.
Variant type: single nucleotide variant.
Coding change: c.82C>A on transcript NM_012186.3 (MANE Select); coding-DNA position 82, C replaced by A.
Protein change: p.Pro28Thr; replaces proline 28 with threonine.
Molecular consequence: missense variant.
Genome position (GRCh38, 1-based): chr1:47,416,397, C>A. VCF-style: chr1-47416397-C-A. GRCh37 (hg19) VCF-style: chr1-47882069-C-A.
Other names: short protein forms P28T.
Identifiers: ClinVar variation 2448366 (VCV002448366.5), dbSNP rs1646882483, ClinGen allele CA340248997.